The following is an entry in ClinVar:

ClinVar aggregate classification (germline): Uncertain significance (1 of 4 stars; one submission).

Submission:

Dasa
Classification: Uncertain significance. Last evaluated: 2026-05-29. Review status: criteria provided, single submitter. Criteria: DASA Assertion Criteria. Collection method: clinical testing. Allele origin: germline.
Comment: NM_030632.3(ASXL3):c.1837T>G (p.Phe613Val) is a missense variant that results in the substitution of phenylalanine with valine. This variant is rare in population databases. Computational prediction algorithms are consistent with a benign effect. The currently available literature and clinical evidence are not sufficient to establish a definitive association between this variant and the reported condition. Therefore, this variant is classified as a variant of uncertain significance.

NM_030632.3(ASXL3):c.1837T>G (p.Phe613Val)

Gene: ASXL3 (ASXL transcriptional regulator 3; plus strand). Cytogenetic location: 18q12.1.
Variant type: single nucleotide variant.
Coding change: c.1837T>G on transcript NM_030632.3 (MANE Select); coding-DNA position 1837, T replaced by G.
Protein change: p.Phe613Val; replaces phenylalanine 613 with valine.
Molecular consequence: missense variant.
Genome position (GRCh38, 1-based): chr18:33,739,241, T>G. VCF-style: chr18-33739241-T-G. GRCh37 (hg19) VCF-style: chr18-31319205-T-G.
Other names: short protein forms F613V.
Identifiers: ClinVar variation 5020455 (VCV005020455.1).